The following is an entry in ClinVar:

ClinVar aggregate classification (germline): Uncertain significance (1 of 4 stars; one submission).

Allele frequency attached by ClinVar (database versions not stated): ESP Exome Variant Server 0.00015; ExAC 0.00007; 1000 Genomes Project 0.00020; 1000 Genomes Project 30x 0.00031.
gnomAD v4.1: 197 of 1,571,762 alleles (0.013%); highest among the groups gnomAD compares: Non-Finnish European, 0.016%; no homozygotes.

Submission:

Labcorp Genetics (formerly Invitae), Labcorp
Classification: Uncertain significance. Last evaluated: 2025-08-03. Review status: criteria provided, single submitter. Criteria: Invitae Variant Classification Sherloc (09022015). Collection method: clinical testing. Allele origin: germline.
Comment: This sequence change replaces isoleucine, which is neutral and non-polar, with threonine, which is neutral and polar, at codon 354 of the JAK2 protein (p.Ile354Thr). This variant is present in population databases (rs371907546, gnomAD 0.01%). This variant has not been reported in the literature in individuals affected with JAK2-related conditions. ClinVar contains an entry for this variant (Variation ID: 2909352). Invitae Evidence Modeling of protein sequence and biophysical properties (such as structural, functional, and spatial information, amino acid conservation, physicochemical variation, residue mobility, and thermodynamic stability) indicates that this missense variant is not expected to disrupt JAK2 protein function with a negative predictive value of 80%. In summary, the available evidence is currently insufficient to determine the role of this variant in disease. Therefore, it has been classified as a Variant of Uncertain Significance.

NM_004972.4(JAK2):c.1061T>C (p.Ile354Thr)

Genes: INSL6 (insulin like 6; minus strand), JAK2 (Janus kinase 2; plus strand). Cytogenetic location: 9p24.1.
Variant type: single nucleotide variant.
Coding change: c.1061T>C on transcript NM_004972.4 (MANE Select); coding-DNA position 1061, T replaced by C.
Protein change: p.Ile354Thr; replaces isoleucine 354 with threonine.
Molecular consequence: missense variant. On other transcripts: 5 prime UTR variant (2), non-coding transcript variant (2).
Genome position (GRCh38, 1-based): chr9:5,064,887, T>C. VCF-style: chr9-5064887-T-C. GRCh37 (hg19) VCF-style: chr9-5064887-T-C.
Other names: c.1061T>C, p.Ile354Thr (NM_001322194.2, NM_001322195.2, NM_001322196.2); c.-155T>C (NM_001322198.2, NM_001322199.2); c.614T>C, p.Ile205Thr (NM_001322204.2); short protein forms I205T, I354T.
Identifiers: ClinVar variation 2909352 (VCV002909352.3), dbSNP rs371907546, ClinGen allele CA4971743.